The following is an entry in ClinVar:

ClinVar aggregate classification (germline): Likely benign. Review status: criteria provided, multiple submitters, no conflicts (2 of 4 stars). 2 submissions from 2 submitters: Likely benign (2). Last evaluated 2025-12-14.

Allele frequency attached by ClinVar (database versions not stated): gnomAD exomes 0.00001 and 0.00002; TOPMed 0.00002; gnomAD 0.00003.

Submissions (2):

Labcorp Genetics (formerly Invitae), Labcorp
Classification: Likely benign. Last evaluated: 2025-12-14. Review status: criteria provided, single submitter. Criteria: Invitae Variant Classification Sherloc (09022015). Collection method: clinical testing. Allele origin: germline.

GeneDx
Classification: Likely benign. Last evaluated: 2016-06-10. Review status: criteria provided, single submitter. Criteria: GeneDx Variant Classification (06012015). Collection method: clinical testing. Allele origin: germline. Affected: yes.
Comment: This variant is considered likely benign or benign based on one or more of the following criteria: it is a conservative change, it occurs at a poorly conserved position in the protein, it is predicted to be benign by multiple in silico algorithms, and/or has population frequency not consistent with disease.

NM_000391.4(TPP1):c.75C>T (p.Pro25=)

Gene: TPP1 (tripeptidyl peptidase 1; minus strand). Cytogenetic location: 11p15.4.
Variant type: single nucleotide variant.
Coding change: c.75C>T on transcript NM_000391.4 (MANE Select); coding-DNA position 75, C replaced by T.
Protein change: p.Pro25=; no amino-acid change (proline 25 retained).
Molecular consequence: synonymous variant.
Genome position (GRCh38, 1-based): chr11:6,619,210, G>A on the plus strand (C>T on the coding strand, the complement: TPP1 is on the minus strand). VCF-style: chr11-6619210-G-A. GRCh37 (hg19) VCF-style: chr11-6640441-G-A.
Identifiers: ClinVar variation 378753 (VCV000378753.11), dbSNP rs902447645, ClinGen allele CA16606365.